The following is an entry in ClinVar:

ClinVar aggregate classification (germline): Pathogenic. Review status: criteria provided, multiple submitters, no conflicts (2 of 4 stars). 2 submissions from 2 submitters: Pathogenic (2). Last evaluated 2018-09-19.

Conditions:
PGM1-congenital disorder of glycosylation. Also called: PHOSPHOGLUCOMUTASE 1 DEFICIENCY; Congenital disorder of glycosylation type 1t; PGM1 DEFICIENCY; GLYCOGEN STORAGE DISEASE XIV; GSD XIV; CDG It. Identifiers: Orphanet 319646, MedGen C2752015, MONDO:0013968, OMIM 614921.

Submissions (2):

Labcorp Genetics (formerly Invitae), Labcorp
Classification: Pathogenic for PGM1-congenital disorder of glycosylation. Last evaluated: 2018-09-19. Review status: criteria provided, single submitter. Criteria: Invitae Variant Classification Sherloc (09022015). Collection method: clinical testing. Allele origin: germline.
Comment: This sequence change creates a premature translational stop signal (p.Asn364Ilefs*2) in the PGM1 gene. It is expected to result in an absent or disrupted protein product. This variant is not present in population databases (ExAC no frequency). This variant has not been reported in the literature in individuals with PGM1-related disease. Loss-of-function variants in PGM1 are known to be pathogenic (PMID: 22492991). For these reasons, this variant has been classified as Pathogenic.

Baylor-Hopkins Center for Mendelian Genomics, Johns Hopkins University School of Medicine
Classification: Pathogenic for PGM1-congenital disorder of glycosylation. Review status: criteria provided, single submitter. Criteria: ACMG Guidelines, 2015. Collection method: research. Allele origin: germline. Inheritance: Autosomal recessive inheritance. Affected: yes.

Literature cited by the submitters: PubMed 22492991 (cited by Labcorp Genetics (formerly Invitae), Labcorp).

NM_002633.3(PGM1):c.1091del (p.Asn364fs)

Gene: PGM1 (phosphoglucomutase 1; plus strand). Cytogenetic location: 1p31.3.
Variant type: Deletion.
Coding change: c.1091del on transcript NM_002633.3 (MANE Select); coding-DNA position 1091, one base deleted (A; older notation c.1091delA).
Protein change: p.Asn364fs; shifts the reading frame from asparagine 364.
Molecular consequence: frameshift variant.
Genome position (GRCh38, 1-based): chr1:63,638,747, A deleted; the last of 2 consecutive A bases (chr1:63,638,746-63,638,747); deleting either gives the same sequence. VCF-style (leftmost placement, unchanged base first): chr1-63638745-GA-G. GRCh37 (hg19) VCF-style: chr1-64104416-GA-G.
Other names: c.1145del, p.Asn382fs (NM_001172818.1); c.500del, p.Asn167fs (NM_001172819.2); c.1090delA (NM_002633.3); short protein forms N167fs, N364fs, N382fs.
Identifiers: ClinVar variation 579973 (VCV000579973.9), dbSNP rs1557437034, ClinGen allele CA891842448.